The following is an entry in ClinVar:

NM_001009999.3(KDM1A):c.1657C>T (p.Leu553Phe)

Gene: KDM1A (lysine demethylase 1A; plus strand). Cytogenetic location: 1p36.12.
Variant type: single nucleotide variant.
Coding change: c.1657C>T on transcript NM_001009999.3 (MANE Select); coding-DNA position 1657, C replaced by T.
Protein change: p.Leu553Phe; replaces leucine 553 with phenylalanine.
Molecular consequence: missense variant.
Genome position (GRCh38, 1-based): chr1:23,073,326, C>T. VCF-style: chr1-23073326-C-T. GRCh37 (hg19) VCF-style: chr1-23399819-C-T.
Other names: c.1603C>T, p.Leu535Phe (NM_001363654.2); c.1663C>T, p.Leu555Phe (NM_001410762.1); c.1585C>T, p.Leu529Phe (NM_001410763.1, NM_015013.4); short protein forms L529F, L535F, L553F, L555F.
Identifiers: ClinVar variation 2638478 (VCV002638478.24), dbSNP rs1157642863, ClinGen allele CA338969157.
Genomic context (GRCh38, chr1:23,073,326, plus strand): 5'-TCCTGTAGTCCTTTGTTCTTTTGCAGTGATGTATATCTCTCATCAAGAGACAGACAAATA[C>T]TTGATTGGCATTTTGCAAATCTTGAATTTGCTAATGCCACACCTCTCTCAACTCTCTCCC-3'
Protein context (NP_001009999.1, residues 543-563): VYLSSRDRQI[Leu553Phe]DWHFANLEFA

ClinVar aggregate classification (germline): Uncertain significance (1 of 4 stars; one submission).

Allele frequency attached by ClinVar (database versions not stated): TOPMed below 0.00001.
gnomAD v4.1: 1 of 1,610,078 alleles (0.000062%); no homozygotes.

Submission:

CeGaT Center for Human Genetics Tuebingen
Classification: Uncertain significance. Last evaluated: 2023-05-01. Review status: criteria provided, single submitter. Criteria: CeGaT Center For Human Genetics Tuebingen Variant Classification Criteria Version 2. Collection method: clinical testing. Allele origin: germline. Affected: yes. Observed: 1 variant allele.
Comment: KDM1A: PM2, PP2, PP3